The following is an entry in ClinVar:

ClinVar aggregate classification (germline): Uncertain significance. Review status: reviewed by expert panel (3 of 4 stars). 5 submissions from 5 submitters: Uncertain significance (1). 4 of the submissions do not count toward it. Last evaluated 2024-05-02.

Conditions:
Glanzmann thrombasthenia 1 (GT1). Also called: BLEEDING DISORDER, PLATELET-TYPE, 2; GP IIb-IIIa COMPLEX DEFICIENCY; GLYCOPROTEIN COMPLEX IIb-IIIa DEFICIENCY; PLATELET FIBRINOGEN RECEPTOR DEFICIENCY. Identifiers: MedGen CN300358, MONDO:0031332, OMIM 273800.
Platelet-type bleeding disorder 16 (BDPLT16). Also called: Bleeding disorder, platelet-type, 16, autosomal dominant. Identifiers: Orphanet 140957, MedGen C5442010, MONDO:0008552, OMIM 187800.
Glanzmann thrombasthenia. Also called: Thrombasthenia; Glanzmann's thrombasthenia; THROMBASTHENIA OF GLANZMANN AND NAEGELI; PLATELET GLYCOPROTEIN IIb-IIIa DEFICIENCY. Identifiers: Orphanet 849, MedGen C0040015, MONDO:0100326.
ITGA2B-related disorder. Also called: ITGA2B-related condition; ITGA2B-related disorders.

Allele frequency attached by ClinVar (database versions not stated): gnomAD 0.00001; gnomAD exomes 0.00001; TOPMed 0.00001.
gnomAD v4.1: 16 of 1,613,944 alleles (0.00099%); highest among the groups gnomAD compares: Admixed American, 0.0033%; no homozygotes.

Submissions (5):

ClinGen Platelet Disorders Variant Curation Expert Panel, ClinGen
Classification: Uncertain significance for Glanzmann thrombasthenia. Last evaluated: 2024-05-02. Review status: reviewed by expert panel. Criteria: ClinGen Platelet ACMG Specifications v2-1. Collection method: curation. Allele origin: germline. Inheritance: Autosomal recessive inheritance.
Comment: The missense variant c.3099A>T (p.Glu1033Asp) has been reported heterozygous in one patient (PMID: 31064749) however a second variant was not identified. Communication with the authors confirmed the patient had decreased platelet glycoprotein IIb-IIIa, abnormal bleeding, and impaired platelet aggregation with ADP, epinephrine, arachidonic acid, and collagen. The highest population minor allele frequency in gnomAD v4.0.0 is 0.00003334 (2/59980 alleles) in the Admixed American population, which is lower than the ClinGen PD VCEP threshold (<0.0001; PM2_Supporting). Computational predictors agree that this variant does not have a deleterious effect (REVEL score of 0.193; BP4). In summary, this variant meets criteria to be classified as uncertain significance for GT. GT-specific criteria applied: PM2_supporting, BP4.

Labcorp Genetics (formerly Invitae), Labcorp
Classification: Uncertain significance for Glanzmann thrombasthenia. Last evaluated: 2025-03-30. Review status: criteria provided, single submitter. Criteria: Invitae Variant Classification Sherloc (09022015). Collection method: clinical testing. Allele origin: germline. Not counted in ClinVar's aggregate classification.
Comment: This sequence change replaces glutamic acid, which is acidic and polar, with aspartic acid, which is acidic and polar, at codon 1033 of the ITGA2B protein (p.Glu1033Asp). This variant is not present in population databases (gnomAD no frequency). This missense change has been observed in individual(s) with clinical features of ITGA2B-related conditions (PMID: 31064749). ClinVar contains an entry for this variant (Variation ID: 627299). An algorithm developed to predict the effect of missense changes on protein structure and function outputs the following: PolyPhen-2: "Benign". The aspartic acid amino acid residue is found in multiple mammalian species, which suggests that this missense change does not adversely affect protein function. In summary, the available evidence is currently insufficient to determine the role of this variant in disease. Therefore, it has been classified as a Variant of Uncertain Significance.

PreventionGenetics, part of Exact Sciences
Classification: Uncertain significance for ITGA2B-related condition. Last evaluated: 2023-06-09. Review status: criteria provided, single submitter. Criteria: ACMG Guidelines, 2015. Collection method: clinical testing. Allele origin: germline. Not counted in ClinVar's aggregate classification.
Comment: The ITGA2B c.3099A>T variant is predicted to result in the amino acid substitution p.Glu1033Asp. This variant was reported in an individual with platelet function disorder (Supplementary File 3 in Downes et al. 2019. PubMed ID: 31064749). This variant has not been reported in a large population database, indicating this variant is rare, and is reported as a variant of uncertain significance in ClinVar by the ClinGen Platelet Disorders Variant Curation Expert Panel. At this time, the clinical significance of this variant is uncertain due to the absence of conclusive functional and genetic evidence.

Department of Pathology and Laboratory Medicine, Sinai Health System
Classification: Uncertain significance for Platelet-type bleeding disorder 16; Glanzmann thrombasthenia 1. Last evaluated: 2021-07-30. Review status: criteria provided, single submitter. Criteria: ACMG Guidelines, 2015. Collection method: research. Allele origin: germline. Not counted in ClinVar's aggregate classification.

NIHR Bioresource Rare Diseases, University of Cambridge
Classification: Uncertain significance for Glanzmann thrombasthenia 1. Last evaluated: 2019-02-01. Review status: criteria provided, single submitter. Criteria: ACMG Guidelines, 2015. Collection method: research. Allele origin: unknown. Affected: yes. Observed: 1 heterozygote. Study: ThromboGenomics. Not counted in ClinVar's aggregate classification.

Literature cited by the submitters: PubMed 31064749 (cited by Labcorp Genetics (formerly Invitae), Labcorp and NIHR Bioresource Rare Diseases, University of Cambridge).

NM_000419.5(ITGA2B):c.3099A>T (p.Glu1033Asp)

Gene: ITGA2B (integrin subunit alpha 2b; minus strand). Cytogenetic location: 17q21.31.
Variant type: single nucleotide variant.
Coding change: c.3099A>T on transcript NM_000419.5 (MANE Select); coding-DNA position 3099, A replaced by T.
Protein change: p.Glu1033Asp; replaces glutamic acid 1033 with aspartic acid.
Molecular consequence: missense variant.
Genome position (GRCh38, 1-based): chr17:44,372,385, T>A on the plus strand (A>T on the coding strand, the complement: ITGA2B is on the minus strand). VCF-style: chr17-44372385-T-A. GRCh37 (hg19) VCF-style: chr17-42449753-T-A.
Other names: c.3099A>T (NM_000419.4, LRG_479t1); short protein forms E1033D.
Identifiers: ClinVar variation 627299 (VCV000627299.8), dbSNP rs757116551, ClinGen allele CA290942825.